The following is an entry in ClinVar:

NM_001244926.2(PRPF4):c.1434C>A (p.His478Gln)

Gene: PRPF4 (pre-mRNA splicing tri-snRNP complex factor PRPF4; plus strand). Cytogenetic location: 9q32.
Variant type: single nucleotide variant.
Coding change: c.1434C>A on transcript NM_001244926.2 (MANE Select); coding-DNA position 1434, C replaced by A.
Protein change: p.His478Gln; replaces histidine 478 with glutamine.
Molecular consequence: missense variant. On other transcripts: non-coding transcript variant (2).
Genome position (GRCh38, 1-based): chr9:113,291,528, C>A. VCF-style: chr9-113291528-C-A. GRCh37 (hg19) VCF-style: chr9-116053808-C-A.
Other names: c.708C>A, p.His236Gln (NM_001322266.2, NM_001322267.2); c.1437C>A, p.His479Gln (NM_004697.5); short protein forms H236Q, H478Q, H479Q.
Identifiers: ClinVar variation 4717359 (VCV004717359.1).

ClinVar aggregate classification (germline): Uncertain significance (1 of 4 stars; one submission).

Submission:

Labcorp Genetics (formerly Invitae), Labcorp
Classification: Uncertain significance. Last evaluated: 2025-05-13. Review status: criteria provided, single submitter. Criteria: Invitae Variant Classification Sherloc (09022015). Collection method: clinical testing. Allele origin: germline.
Comment: This sequence change replaces histidine, which is basic and polar, with glutamine, which is neutral and polar, at codon 479 of the PRPF4 protein (p.His479Gln). This variant is not present in population databases (gnomAD no frequency). This variant has not been reported in the literature in individuals affected with PRPF4-related conditions. An algorithm developed to predict the effect of missense changes on protein structure and function (PolyPhen-2) suggests that this variant is likely to be tolerated. In summary, the available evidence is currently insufficient to determine the role of this variant in disease. Therefore, it has been classified as a Variant of Uncertain Significance.